The following is an entry in ClinVar:

ClinVar aggregate classification (germline): Uncertain significance (1 of 4 stars; one submission).

Submission:

GeneDx
Classification: Uncertain significance. Last evaluated: 2023-03-10. Review status: criteria provided, single submitter. Criteria: GeneDx Variant Classification Process June 2021. Collection method: clinical testing. Allele origin: germline. Affected: yes.
Comment: Not observed at significant frequency in large population cohorts (gnomAD); In silico analysis supports that this missense variant does not alter protein structure/function; Has not been previously published as pathogenic or benign to our knowledge

NM_015001.3(SPEN):c.9094G>T (p.Gly3032Trp)

Gene: SPEN (spen family transcriptional repressor; plus strand). Cytogenetic location: 1p36.13.
Variant type: single nucleotide variant.
Coding change: c.9094G>T on transcript NM_015001.3 (MANE Select); coding-DNA position 9094, G replaced by T.
Protein change: p.Gly3032Trp; replaces glycine 3032 with tryptophan.
Molecular consequence: missense variant.
Genome position (GRCh38, 1-based): chr1:15,935,334, G>T. VCF-style: chr1-15935334-G-T. GRCh37 (hg19) VCF-style: chr1-16261829-G-T.
Other names: short protein forms G3032W.
Identifiers: ClinVar variation 2580009 (VCV002580009.1), dbSNP rs762328348, ClinGen allele CA338652515.